The following is an entry in ClinVar:

NM_000038.6(APC):c.1511C>T (p.Ala504Val)

Gene: APC (APC regulator of Wnt signaling pathway; plus strand). Cytogenetic location: 5q22.2.
Variant type: single nucleotide variant.
Coding change: c.1511C>T on transcript NM_000038.6 (MANE Select); coding-DNA position 1511, C replaced by T.
Protein change: p.Ala504Val; replaces alanine 504 with valine.
Molecular consequence: missense variant.
Genome position (GRCh38, 1-based): chr5:112,827,210, C>T. VCF-style: chr5-112827210-C-T. GRCh37 (hg19) VCF-style: chr5-112162907-C-T.
Other names: c.1481C>T, p.Ala494Val (NM_001407452.1); c.1334C>T, p.Ala445Val (NM_001407453.1, NM_001354901.2); c.1262C>T, p.Ala421Val (NM_001407454.1, NM_001407455.1, NM_001407456.1 and 1 more transcripts); c.1208C>T, p.Ala403Val (NM_001407458.1, NM_001407459.1, NM_001407460.1 and 1 more transcripts); c.1124C>T, p.Ala375Val (NM_001407467.1, NM_001407469.1); c.1511C>T, p.Ala504Val (NM_001127510.3, NM_001354895.2, NM_001407450.1); c.1457C>T, p.Ala486Val (NM_001127511.3); c.1565C>T, p.Ala522Val (NM_001354896.2, NM_001407447.1, NM_001407448.1 and 1 more transcripts); and 11 more; short protein forms A344V, A463V, A494V, A504V, A532V, A120V, A476V, A497V.
Identifiers: ClinVar variation 4119479 (VCV004119479.1).

ClinVar aggregate classification (germline): Uncertain significance (1 of 4 stars; one submission).

Conditions:
Hereditary cancer-predisposing syndrome. Also called: Hereditary neoplastic syndrome; Neoplastic Syndromes, Hereditary; Tumor predisposition; Hereditary Cancer Syndrome. Identifiers: Orphanet 140162, MedGen C0027672, MeSH D009386, MONDO:0015356.

Submission:

Ambry Genetics
Classification: Uncertain significance for Hereditary cancer-predisposing syndrome. Last evaluated: 2025-07-23. Review status: criteria provided, single submitter. Criteria: Ambry Variant Classification Scheme 2023. Collection method: clinical testing. Allele origin: germline.
Comment: The p.A504V variant (also known as c.1511C>T), located in coding exon 11 of the APC gene, results from a C to T substitution at nucleotide position 1511. The alanine at codon 504 is replaced by valine, an amino acid with similar properties. This amino acid position is highly conserved in available vertebrate species. Missense alterations in APC are not a common cause of disease (Spier I et al. Genet Med. 2024 Feb;26(2):100992). Based on the available evidence, the clinical significance of this variant remains unclear.